The following is an entry in ClinVar:

NM_014845.6(FIG4):c.206G>A (p.Arg69His)

Gene: FIG4 (FIG4 phosphoinositide 5-phosphatase; plus strand). Cytogenetic location: 6q21.
Variant type: single nucleotide variant.
Coding change: c.206G>A on transcript NM_014845.6 (MANE Select); coding-DNA position 206, G replaced by A.
Protein change: p.Arg69His; replaces arginine 69 with histidine.
Molecular consequence: missense variant.
Genome position (GRCh38, 1-based): chr6:109,716,485, G>A. VCF-style: chr6-109716485-G-A. GRCh37 (hg19) VCF-style: chr6-110037688-G-A.
Other names: short protein forms R69H.
Identifiers: ClinVar variation 2070738 (VCV002070738.4), dbSNP rs748211930, ClinGen allele CA3955711.

ClinVar aggregate classification (germline): Uncertain significance. Review status: criteria provided, multiple submitters, no conflicts (2 of 4 stars). 3 submissions from 3 submitters: Uncertain significance (3). Last evaluated 2023-10-30.

Conditions:
Inborn genetic diseases. Identifiers: MedGen C0950123, MeSH D030342.
Charcot-Marie-Tooth disease type 4. Also called: Charcot-Marie-Tooth disease, type IV; Charcot-Marie-Tooth, Type 4. Identifiers: Orphanet 64749, MedGen C4082197, MONDO:0018995.

Allele frequency attached by ClinVar (database versions not stated): gnomAD 0.00001; gnomAD exomes 0.00001; ExAC 0.00002.
gnomAD v4.1: 18 of 1,613,552 alleles (0.0011%); highest among the groups gnomAD compares: East Asian, 0.0045%; no homozygotes.

Submissions (3):

Ambry Genetics
Classification: Uncertain significance for Inborn genetic diseases. Last evaluated: 2023-10-30. Review status: criteria provided, single submitter. Criteria: Ambry Variant Classification Scheme 2023. Collection method: clinical testing. Allele origin: germline.

Blueprint Genetics
Classification: Uncertain significance. Last evaluated: 2023-07-25. Review status: criteria provided, single submitter. Criteria: ACMG Guidelines, 2015. Collection method: clinical testing. Allele origin: germline.

Labcorp Genetics (formerly Invitae), Labcorp
Classification: Uncertain significance for Charcot-Marie-Tooth disease type 4. Last evaluated: 2022-04-05. Review status: criteria provided, single submitter. Criteria: Invitae Variant Classification Sherloc (09022015). Collection method: clinical testing. Allele origin: germline.
Comment: This variant has not been reported in the literature in individuals affected with FIG4-related conditions. This sequence change replaces arginine, which is basic and polar, with histidine, which is basic and polar, at codon 69 of the FIG4 protein (p.Arg69His). This variant is present in population databases (rs748211930, gnomAD 0.009%). Algorithms developed to predict the effect of missense changes on protein structure and function are either unavailable or do not agree on the potential impact of this missense change (SIFT: "Tolerated"; PolyPhen-2: "Probably Damaging"; Align-GVGD: "Class C0"). In summary, the available evidence is currently insufficient to determine the role of this variant in disease. Therefore, it has been classified as a Variant of Uncertain Significance.